The following is an entry in ClinVar:

ClinVar aggregate classification (germline): Uncertain significance. Review status: criteria provided, multiple submitters, no conflicts (2 of 4 stars). 5 submissions from 5 submitters: Uncertain significance (4). 1 of the submissions does not count toward it. Last evaluated 2025-08-18.

Conditions:
Breast and/or ovarian cancer. Identifiers: MedGen CN221562.
Ataxia-telangiectasia syndrome (AT). Also called: Ataxia telangiectasia (A-T); LOUIS-BAR SYNDROME; Cerebello-oculocutaneous telangiectasia; Immunodeficiency with ataxia telangiectasia; Ataxia-telangiectasia, complementation group D; AT, COMPLEMENTATION GROUP C. Identifiers: Orphanet 100, MedGen C0004135, MONDO:0008840, OMIM 208900.
Hereditary cancer-predisposing syndrome. Also called: Hereditary neoplastic syndrome; Neoplastic Syndromes, Hereditary; Tumor predisposition; Hereditary Cancer Syndrome. Identifiers: Orphanet 140162, MedGen C0027672, MeSH D009386, MONDO:0015356.

Allele frequency attached by ClinVar (database versions not stated): gnomAD 0.00001.
gnomAD v4.1: 1 of 1,613,878 alleles (0.000062%); highest among the groups gnomAD compares: Non-Finnish European, 0.000085%; no homozygotes.

Submissions (5):

Labcorp Genetics (formerly Invitae), Labcorp
Classification: Uncertain significance for Ataxia-telangiectasia syndrome. Last evaluated: 2025-08-18. Review status: criteria provided, single submitter. Criteria: Invitae Variant Classification Sherloc (09022015). Collection method: clinical testing. Allele origin: germline.
Comment: This sequence change replaces isoleucine, which is neutral and non-polar, with valine, which is neutral and non-polar, at codon 559 of the ATM protein (p.Ile559Val). The frequency data for this variant in the population databases is considered unreliable, as metrics indicate poor data quality at this position in the gnomAD database. This variant has not been reported in the literature in individuals affected with ATM-related conditions. ClinVar contains an entry for this variant (Variation ID: 407476). Invitae Evidence Modeling of protein sequence and biophysical properties (such as structural, functional, and spatial information, amino acid conservation, physicochemical variation, residue mobility, and thermodynamic stability) indicates that this missense variant is not expected to disrupt ATM protein function with a negative predictive value of 95%. In summary, the available evidence is currently insufficient to determine the role of this variant in disease. Therefore, it has been classified as a Variant of Uncertain Significance.

Ambry Genetics
Classification: Uncertain significance for Hereditary cancer-predisposing syndrome. Last evaluated: 2024-03-22. Review status: criteria provided, single submitter. Criteria: Ambry Variant Classification Scheme 2023. Collection method: clinical testing. Allele origin: germline.
Comment: The p.I559V variant (also known as c.1675A>G), located in coding exon 10 of the ATM gene, results from an A to G substitution at nucleotide position 1675. The isoleucine at codon 559 is replaced by valine, an amino acid with highly similar properties. This amino acid position is conserved. In addition, this alteration is predicted to be tolerated by in silico analysis. Based on the available evidence, the clinical significance of this alteration remains unclear.

Color Diagnostics, LLC DBA Color Health
Classification: Uncertain significance for Hereditary cancer-predisposing syndrome. Last evaluated: 2023-12-05. Review status: criteria provided, single submitter. Criteria: ACMG Guidelines, 2015. Collection method: clinical testing. Allele origin: germline.
Comment: This missense variant replaces isoleucine with valine at codon 559 of the ATM protein. Computational prediction suggests that this variant may not impact protein structure and function (internally defined REVEL score threshold <= 0.5, PMID: 27666373). To our knowledge, functional studies have not been reported for this variant. This variant has not been reported in individuals affected with ATM-related disorders in the literature. This variant has not been identified in the general population by the Genome Aggregation Database (gnomAD). The available evidence is insufficient to determine the role of this variant in disease conclusively. Therefore, this variant is classified as a Variant of Uncertain Significance.

CHEO Genetics Diagnostic Laboratory, Children's Hospital of Eastern Ontario
Classification: Uncertain significance for Breast and/or ovarian cancer. Last evaluated: 2020-06-15. Review status: criteria provided, single submitter. Criteria: ACMG Guidelines, 2015. Collection method: clinical testing. Allele origin: germline.

Natera, Inc.
Classification: Uncertain significance for Ataxia-telangiectasia. Last evaluated: 2020-07-10. Review status: no assertion criteria provided. Collection method: clinical testing. Allele origin: germline. Not counted in ClinVar's aggregate classification.

NM_000051.4(ATM):c.1675A>G (p.Ile559Val)

Gene: ATM (ATM serine/threonine kinase; plus strand). Cytogenetic location: 11q22.3.
Variant type: single nucleotide variant.
Coding change: c.1675A>G on transcript NM_000051.4 (MANE Select); coding-DNA position 1675, A replaced by G.
Protein change: p.Ile559Val; replaces isoleucine 559 with valine.
Molecular consequence: missense variant.
Genome position (GRCh38, 1-based): chr11:108,251,904, A>G. VCF-style: chr11-108251904-A-G. GRCh37 (hg19) VCF-style: chr11-108122631-A-G.
Other names: c.1675A>G, p.Ile559Val (NM_001351834.2); short protein forms I559V.
Identifiers: ClinVar variation 407476 (VCV000407476.22), dbSNP rs1060501545, ClinGen allele CA16613332.